The following is an entry in ClinVar:

ClinVar aggregate classification (germline): Uncertain significance (1 of 4 stars; one submission).

gnomAD v4.1: 1 of 1,612,872 alleles (0.000062%); highest among the groups gnomAD compares: Non-Finnish European, 0.000085%; no homozygotes.

Submission:

GeneDx
Classification: Uncertain significance. Last evaluated: 2023-10-24. Review status: criteria provided, single submitter. Criteria: GeneDx Variant Classification Process June 2021. Collection method: clinical testing. Allele origin: germline. Affected: yes.
Comment: Not observed at significant frequency in large population cohorts (gnomAD); In silico analysis supports that this missense variant has a deleterious effect on protein structure/function; Has not been previously published as pathogenic or benign to our knowledge

NM_004408.4(DNM1):c.335A>C (p.Asn112Thr)

Genes: DNM1 (dynamin 1; plus strand), LOC113839516 (Sharpr-MPRA regulatory region 8497; plus strand). Cytogenetic location: 9q34.11.
Variant type: single nucleotide variant.
Coding change: c.335A>C on transcript NM_004408.4 (MANE Select); coding-DNA position 335, A replaced by C.
Protein change: p.Asn112Thr; replaces asparagine 112 with threonine.
Molecular consequence: missense variant.
Genome position (GRCh38, 1-based): chr9:128,218,681, A>C. VCF-style: chr9-128218681-A-C. GRCh37 (hg19) VCF-style: chr9-130980960-A-C.
Other names: c.335A>C, p.Asn112Thr (NM_001005336.3, NM_001288737.2, NM_001288738.2 and 2 more transcripts); short protein forms N112T.
Identifiers: ClinVar variation 2575736 (VCV002575736.2), dbSNP rs1834757521, ClinGen allele CA375010748.